The following is an entry in ClinVar:

NM_030662.4(MAP2K2):c.85G>T (p.Ala29Ser)

Genes: MAP2K2 (mitogen-activated protein kinase kinase 2; minus strand), LOC130063193 (ATAC-STARR-seq lymphoblastoid silent region 9881; plus strand). Cytogenetic location: 19p13.3.
Variant type: single nucleotide variant.
Coding change: c.85G>T on transcript NM_030662.4 (MANE Select); coding-DNA position 85, G replaced by T.
Protein change: p.Ala29Ser; replaces alanine 29 with serine.
Molecular consequence: missense variant.
Genome position (GRCh38, 1-based): chr19:4,123,791, C>A on the plus strand (G>T on the coding strand, the complement: MAP2K2 is on the minus strand). VCF-style: chr19-4123791-C-A. GRCh37 (hg19) VCF-style: chr19-4123788-C-A.
Other names: short protein forms A29S.
Identifiers: ClinVar variation 1334264 (VCV001334264.5), dbSNP rs770134564, ClinGen allele CA9091102.

ClinVar aggregate classification (germline): Uncertain significance. Review status: criteria provided, multiple submitters, no conflicts (2 of 4 stars). 2 submissions from 2 submitters: Uncertain significance (2). Last evaluated 2025-01-14.

Conditions:
RASopathy. Also called: Noonan spectrum disorder; rasopathies. Identifiers: Orphanet 536391, MedGen C5555857, MONDO:0021060.
Noonan syndrome and Noonan-related syndrome. Identifiers: Orphanet 98733, MedGen C5681679, MONDO:0020297.

Allele frequency attached by ClinVar (database versions not stated): ExAC 0.00004.
gnomAD v4.1: 1 of 1,557,780 alleles (0.000064%); highest among the groups gnomAD compares: Non-Finnish European, 0.000086%; no homozygotes.

Submissions (2):

Labcorp Genetics (formerly Invitae), Labcorp
Classification: Uncertain significance for RASopathy. Last evaluated: 2025-01-14. Review status: criteria provided, single submitter. Criteria: Invitae Variant Classification Sherloc (09022015). Collection method: clinical testing. Allele origin: germline.
Comment: This sequence change replaces alanine, which is neutral and non-polar, with serine, which is neutral and polar, at codon 29 of the MAP2K2 protein (p.Ala29Ser). The frequency data for this variant in the population databases is considered unreliable, as metrics indicate poor data quality at this position in the gnomAD database. This variant has not been reported in the literature in individuals affected with MAP2K2-related conditions. ClinVar contains an entry for this variant (Variation ID: 1334264). Invitae Evidence Modeling of protein sequence and biophysical properties (such as structural, functional, and spatial information, amino acid conservation, physicochemical variation, residue mobility, and thermodynamic stability) has been performed for this missense variant. However, the output from this modeling did not meet the statistical confidence thresholds required to predict the impact of this variant on MAP2K2 protein function. In summary, the available evidence is currently insufficient to determine the role of this variant in disease. Therefore, it has been classified as a Variant of Uncertain Significance.

Genome Diagnostics Laboratory, The Hospital for Sick Children
Classification: Uncertain significance for Noonan syndrome and Noonan-related syndrome. Last evaluated: 2020-05-01. Review status: criteria provided, single submitter. Criteria: ACMG Guidelines, 2015. Collection method: clinical testing. Allele origin: germline.